The following is an entry in ClinVar:

NM_006231.4(POLE):c.6556C>T (p.Leu2186Phe)

Gene: POLE (DNA polymerase epsilon, catalytic subunit; minus strand). Cytogenetic location: 12q24.33.
Variant type: single nucleotide variant.
Coding change: c.6556C>T on transcript NM_006231.4 (MANE Select); coding-DNA position 6556, C replaced by T.
Protein change: p.Leu2186Phe; replaces leucine 2186 with phenylalanine.
Molecular consequence: missense variant.
Genome position (GRCh38, 1-based): chr12:132,625,746, G>A on the plus strand (C>T on the coding strand, the complement: POLE is on the minus strand). VCF-style: chr12-132625746-G-A. GRCh37 (hg19) VCF-style: chr12-133202332-G-A.
Other names: c.6556C>T (NM_006231.2); short protein forms L2186F.
Identifiers: ClinVar variation 2693591 (VCV002693591.4), dbSNP rs2041825564, ClinGen allele CA387366859.
Genomic context (GRCh38, chr12:132,625,746, plus strand): 5'-CTTCCACCAGCGTCATCTCGATGGCAGAGGAGTCGTAGGGCGCCTGACAGTTGGAGCAGA[G>A]CCACTGAGGCAGGACCGCCCCATCCTAGGCAGAGCAAGAGTGCGAGAGGTCACCAGCCCA-3'
Protein context (NP_006222.2, residues 2176-2196): SEDGAVLPQW[Leu2186Phe]CSNCQAPYDS

ClinVar aggregate classification (germline): Uncertain significance. Review status: criteria provided, multiple submitters, no conflicts (2 of 4 stars). 2 submissions from 2 submitters: Uncertain significance (2). Last evaluated 2025-09-29.

Conditions:
Hereditary cancer-predisposing syndrome. Also called: Neoplastic Syndromes, Hereditary; Hereditary Cancer Syndrome; Tumor predisposition; Hereditary neoplastic syndrome. Identifiers: Orphanet 140162, MedGen C0027672, MeSH D009386, MONDO:0015356.

Allele frequency attached by ClinVar (database versions not stated): gnomAD 0.00001.
gnomAD v4.1: 1 of 1,612,266 alleles (0.000062%); highest among the groups gnomAD compares: South Asian, 0.0011%; no homozygotes.

Submissions (2):

Ambry Genetics
Classification: Uncertain significance for Hereditary cancer-predisposing syndrome. Last evaluated: 2025-09-29. Review status: criteria provided, single submitter. Criteria: Ambry Variant Classification Scheme 2023. Collection method: clinical testing. Allele origin: germline.
Comment: The p.L2186F variant (also known as c.6556C>T), located in coding exon 47 of the POLE gene, results from a C to T substitution at nucleotide position 6556. The leucine at codon 2186 is replaced by phenylalanine, an amino acid with highly similar properties. This amino acid position is conserved. In addition, this alteration is predicted to be tolerated by in silico analysis. Based on the available evidence, the clinical significance of this variant remains unclear.

Labcorp Genetics (formerly Invitae), Labcorp
Classification: Uncertain significance. Last evaluated: 2023-11-06. Review status: criteria provided, single submitter. Criteria: Invitae Variant Classification Sherloc (09022015). Collection method: clinical testing. Allele origin: germline.
Comment: This sequence change replaces leucine, which is neutral and non-polar, with phenylalanine, which is neutral and non-polar, at codon 2186 of the POLE protein (p.Leu2186Phe). This variant is not present in population databases (gnomAD no frequency). This variant has not been reported in the literature in individuals affected with POLE-related conditions. Advanced modeling of protein sequence and biophysical properties (such as structural, functional, and spatial information, amino acid conservation, physicochemical variation, residue mobility, and thermodynamic stability) performed at Invitae indicates that this missense variant is not expected to disrupt POLE protein function with a negative predictive value of 80%. In summary, the available evidence is currently insufficient to determine the role of this variant in disease. Therefore, it has been classified as a Variant of Uncertain Significance.